The following is an entry in ClinVar:

NM_024422.6(DSC2):c.2312C>T (p.Thr771Ile)

Gene: DSC2 (desmocollin 2; minus strand). Cytogenetic location: 18q12.1.
Variant type: single nucleotide variant.
Coding change: c.2312C>T on transcript NM_024422.6 (MANE Select); coding-DNA position 2312, C replaced by T.
Protein change: p.Thr771Ile; replaces threonine 771 with isoleucine.
Molecular consequence: missense variant.
Genome position (GRCh38, 1-based): chr18:31,069,090, G>A on the plus strand (C>T on the coding strand, the complement: DSC2 is on the minus strand). VCF-style: chr18-31069090-G-A. GRCh37 (hg19) VCF-style: chr18-28649056-G-A.
Other names: c.1883C>T, p.Thr628Ile (NM_001406506.1, NM_001406507.1); c.2312C>T, p.Thr771Ile (NM_004949.5); short protein forms T628I, T771I.
Identifiers: ClinVar variation 2775172 (VCV002775172.2), dbSNP rs2144784219, ClinGen allele CA402111911.
Genomic context (GRCh38, chr18:31,069,090, plus strand): 5'-TGTCCTCCTTTCACCATTTCGATGGTCTCCTGACCTCCGTTTTTGATTCCTGATCCCACG[G>A]TGCCACAAACTCCCTGAGCAGAAGCGCCCACAGTTTGGGTTGTGAAGCCATTCGCAGAAT-3'
Protein context (NP_077740.1, residues 761-781): VGASAQGVCG[Thr771Ile]VGSGIKNGGQ

ClinVar aggregate classification (germline): Uncertain significance (1 of 4 stars; one submission).

Conditions:
Cardiomyopathy (CMYO). Also called: Cardiomyopathies. Identifiers: Orphanet 167848, MedGen C0878544, MONDO:0004994, HP:0001638. Inheritance: Various modes of inheritance.

Submission:

Color Diagnostics, LLC DBA Color Health
Classification: Uncertain significance for Cardiomyopathy. Last evaluated: 2024-03-07. Review status: criteria provided, single submitter. Criteria: ACMG Guidelines, 2015. Collection method: clinical testing. Allele origin: germline.
Comment: This missense variant replaces threonine with isoleucine at codon 771 of the DSC2 protein. Computational prediction suggests that this variant may not impact protein structure and function (internally defined REVEL score threshold <= 0.5, PMID: 27666373). To our knowledge, functional studies have not been reported for this variant. This variant has not been reported in individuals affected with cardiovascular disorders in the literature. This variant has not been identified in the general population by the Genome Aggregation Database (gnomAD). The available evidence is insufficient to determine the role of this variant in disease conclusively. Therefore, this variant is classified as a Variant of Uncertain Significance.